The following is an entry in ClinVar:

NM_000466.3(PEX1):c.2375T>C (p.Ile792Thr)

Gene: PEX1 (peroxisomal biogenesis factor 1; minus strand). Cytogenetic location: 7q21.2.
Variant type: single nucleotide variant.
Coding change: c.2375T>C on transcript NM_000466.3 (MANE Select); coding-DNA position 2375, T replaced by C.
Protein change: p.Ile792Thr; replaces isoleucine 792 with threonine.
Molecular consequence: missense variant.
Genome position (GRCh38, 1-based): chr7:92,501,931, A>G on the plus strand (T>C on the coding strand, the complement: PEX1 is on the minus strand). VCF-style: chr7-92501931-A-G. GRCh37 (hg19) VCF-style: chr7-92131245-A-G.
Other names: c.2204T>C, p.Ile735Thr (NM_001282677.2); c.1751T>C, p.Ile584Thr (NM_001282678.2); short protein forms I792T, I584T, I735T.
Identifiers: ClinVar variation 594468 (VCV000594468.9), dbSNP rs747899377, ClinGen allele CA4341143.

ClinVar aggregate classification (germline): Uncertain significance. Review status: criteria provided, multiple submitters, no conflicts (2 of 4 stars). 2 submissions from 2 submitters: Uncertain significance (2). Last evaluated 2022-05-29.

Conditions:
Zellweger spectrum disorders (ZS). Also called: Zellweger Spectrum Disorder; Zellweger Spectrum; Zellweger Spectrum Disorder (ZSD); Zellweger syndrome. Identifiers: Orphanet 912, MedGen C0043459, MONDO:0019609.

Allele frequency attached by ClinVar (database versions not stated): gnomAD 0.00001; gnomAD exomes 0.00002; TOPMed 0.00002; ExAC 0.00003.
gnomAD v4.1: 35 of 1,613,920 alleles (0.0022%); highest among the groups gnomAD compares: Admixed American, 0.0067%; no homozygotes.

Submissions (2):

Labcorp Genetics (formerly Invitae), Labcorp
Classification: Uncertain significance for Zellweger spectrum disorders. Last evaluated: 2022-05-29. Review status: criteria provided, single submitter. Criteria: Invitae Variant Classification Sherloc (09022015). Collection method: clinical testing. Allele origin: germline.
Comment: This sequence change replaces isoleucine, which is neutral and non-polar, with threonine, which is neutral and polar, at codon 792 of the PEX1 protein (p.Ile792Thr). This variant is present in population databases (rs747899377, gnomAD 0.006%). This variant has not been reported in the literature in individuals affected with PEX1-related conditions. ClinVar contains an entry for this variant (Variation ID: 594468). Advanced modeling of protein sequence and biophysical properties (such as structural, functional, and spatial information, amino acid conservation, physicochemical variation, residue mobility, and thermodynamic stability) performed at Invitae indicates that this missense variant is not expected to disrupt PEX1 protein function. In summary, the available evidence is currently insufficient to determine the role of this variant in disease. Therefore, it has been classified as a Variant of Uncertain Significance.

Eurofins Ntd Llc (ga)
Classification: Uncertain significance. Last evaluated: 2017-10-10. Review status: criteria provided, single submitter. Criteria: EGL Classification Definitions 2015. Collection method: clinical testing. Allele origin: germline. Observed: 2 variant alleles, 2 heterozygotes.